The following is an entry in ClinVar:

NM_001330700.2(TOP2B):c.4625G>A (p.Arg1542Gln)

Gene: TOP2B (DNA topoisomerase II beta; minus strand). Cytogenetic location: 3p24.2.
Variant type: single nucleotide variant.
Coding change: c.4625G>A on transcript NM_001330700.2 (MANE Select); coding-DNA position 4625, G replaced by A.
Protein change: p.Arg1542Gln; replaces arginine 1542 with glutamine.
Molecular consequence: missense variant.
Genome position (GRCh38, 1-based): chr3:25,599,520, C>T on the plus strand (G>A on the coding strand, the complement: TOP2B is on the minus strand). VCF-style: chr3-25599520-C-T. GRCh37 (hg19) VCF-style: chr3-25641011-C-T.
Other names: c.4610G>A, p.Arg1537Gln (NM_001068.3); short protein forms R1542Q, R1537Q.
Identifiers: ClinVar variation 1488564 (VCV001488564.8), dbSNP rs749334778, ClinGen allele CA2288032.
Genomic context (GRCh38, chr3:25,599,520, plus strand): 5'-CTGCCAGGGTTATAATCGCCTTCATTTTCAGAGCCAGATGCTTTCCTTTTCTTTGCCCCT[C>T]GGCCTTTACCTTAAAATGATACAAAAGGTTTTTTCTTCCGTGGTTAAGTGCAATATAAAA-3'
Protein context (NP_001317629.1, residues 1532-1552): KKTTTPKGKG[Arg1542Gln]GAKKRKASGS

ClinVar aggregate classification (germline): Uncertain significance (1 of 4 stars; one submission).

Allele frequency attached by ClinVar (database versions not stated): TOPMed below 0.00001; gnomAD exomes 0.00001 and 0.00002; ExAC 0.00003.
gnomAD v4.1: 17 of 1,612,484 alleles (0.0011%); highest among the groups gnomAD compares: Admixed American, 0.0017%; no homozygotes.

Submission:

Labcorp Genetics (formerly Invitae), Labcorp
Classification: Uncertain significance. Last evaluated: 2025-10-21. Review status: criteria provided, single submitter. Criteria: Invitae Variant Classification Sherloc (09022015). Collection method: clinical testing. Allele origin: germline.
Comment: This sequence change replaces arginine, which is basic and polar, with glutamine, which is neutral and polar, at codon 1537 of the TOP2B protein (p.Arg1537Gln). This variant is present in population databases (rs749334778, gnomAD 0.004%). This variant has not been reported in the literature in individuals affected with TOP2B-related conditions. ClinVar contains an entry for this variant (Variation ID: 1488564). An algorithm developed to predict the effect of missense changes on protein structure and function (PolyPhen-2) suggests that this variant is likely to be tolerated. In summary, the available evidence is currently insufficient to determine the role of this variant in disease. Therefore, it has been classified as a Variant of Uncertain Significance.